The following is an entry in ClinVar:

ClinVar aggregate classification (germline): Uncertain significance (1 of 4 stars; one submission).

Submission:

GeneDx
Classification: Uncertain significance. Last evaluated: 2025-07-30. Review status: criteria provided, single submitter. Criteria: GeneDx Variant Classification Process June 2021. Collection method: clinical testing. Allele origin: germline. Affected: yes.
Comment: Not observed at significant frequency in large population cohorts (gnomAD); In silico analysis supports that this missense variant has a deleterious effect on protein structure/function; Has not been previously published as pathogenic or benign to our knowledge; Variants in candidate genes are classified as variants of uncertain significance in accordance with ACMG guidelines (PMID: 25741868)

NM_032999.4(GTF2I):c.113C>A (p.Ala38Asp)

Genes: GTF2I (general transcription factor IIi; plus strand), GTF2I-AS1 (GTF2I antisense RNA 1; minus strand). Cytogenetic location: 7q11.23.
Variant type: single nucleotide variant.
Coding change: c.113C>A on transcript NM_032999.4 (MANE Select); coding-DNA position 113, C replaced by A.
Protein change: p.Ala38Asp; replaces alanine 38 with aspartic acid.
Molecular consequence: missense variant.
Genome position (GRCh38, 1-based): chr7:74,690,986, C>A. VCF-style: chr7-74690986-C-A. GRCh37 (hg19) VCF-style: chr7-74105318-C-A.
Other names: c.113C>A, p.Ala38Asp (NM_001163636.3, NM_001280800.2, NM_001518.5 and 2 more transcripts); short protein forms A38D.
Identifiers: ClinVar variation 4689819 (VCV004689819.1).